The following is an entry in ClinVar:

NM_000057.4(BLM):c.1832C>A (p.Ser611Ter)

Gene: BLM (BLM RecQ like helicase; plus strand). Cytogenetic location: 15q26.1.
Variant type: single nucleotide variant.
Coding change: c.1832C>A on transcript NM_000057.4 (MANE Select); coding-DNA position 1832, C replaced by A.
Protein change: p.Ser611Ter; replaces serine 611 with a stop codon.
Molecular consequence: nonsense.
Genome position (GRCh38, 1-based): chr15:90,761,205, C>A. VCF-style: chr15-90761205-C-A. GRCh37 (hg19) VCF-style: chr15-91304435-C-A.
Other names: c.1832C>A, p.Ser611Ter (NM_001287246.2, NM_001287247.2); c.707C>A, p.Ser236Ter (NM_001287248.2); short protein forms S611*, S236*.
Identifiers: ClinVar variation 2586880 (VCV002586880.5), dbSNP rs1895978539, ClinGen allele CA393843937.

ClinVar aggregate classification (germline): Pathogenic. Review status: criteria provided, multiple submitters, no conflicts (2 of 4 stars). 2 submissions from 2 submitters: Pathogenic (2). Last evaluated 2023-10-13.

Conditions:
Hereditary cancer-predisposing syndrome. Also called: Hereditary neoplastic syndrome; Tumor predisposition; Hereditary Cancer Syndrome; Neoplastic Syndromes, Hereditary. Identifiers: Orphanet 140162, MedGen C0027672, MeSH D009386, MONDO:0015356.
Bloom syndrome (BLM). Also called: Bloom-Torre-Machacek syndrome. Identifiers: Orphanet 125, MedGen C0005859, MONDO:0008876, OMIM 210900.

Submissions (2):

Labcorp Genetics (formerly Invitae), Labcorp
Classification: Pathogenic for Bloom syndrome. Last evaluated: 2023-10-13. Review status: criteria provided, single submitter. Criteria: Invitae Variant Classification Sherloc (09022015). Collection method: clinical testing. Allele origin: germline.
Comment: This sequence change creates a premature translational stop signal (p.Ser611*) in the BLM gene. It is expected to result in an absent or disrupted protein product. Loss-of-function variants in BLM are known to be pathogenic (PMID: 17407155). This variant is not present in population databases (gnomAD no frequency). This variant has not been reported in the literature in individuals affected with BLM-related conditions. For these reasons, this variant has been classified as Pathogenic.

Ambry Genetics
Classification: Pathogenic for Hereditary cancer-predisposing syndrome. Last evaluated: 2023-07-25. Review status: criteria provided, single submitter. Criteria: Ambry Variant Classification Scheme 2023. Collection method: clinical testing. Allele origin: germline.
Comment: The p.S611* pathogenic mutation (also known as c.1832C>A), located in coding exon 6 of the BLM gene, results from a C to A substitution at nucleotide position 1832. This changes the amino acid from a serine to a stop codon within coding exon 6. This alteration is expected to result in loss of function by premature protein truncation or nonsense-mediated mRNA decay. As such, this alteration is interpreted as a disease-causing mutation.

Literature cited by the submitters: PubMed 17407155 (cited by Labcorp Genetics (formerly Invitae), Labcorp).